The following is an entry in ClinVar:

ClinVar aggregate classification (germline): Uncertain significance (1 of 4 stars; one submission).

Conditions:
Aortic valve disease 2 (AOVD2). Identifiers: MedGen C3542024, MONDO:0013902, OMIM 614823.

gnomAD v4.1: 1 of 1,249,176 alleles (0.00008%); highest among the groups gnomAD compares: South Asian, 0.0038%; no homozygotes.

Submission:

Labcorp Genetics (formerly Invitae), Labcorp
Classification: Uncertain significance for Aortic valve disease 2. Last evaluated: 2024-03-25. Review status: criteria provided, single submitter. Criteria: Invitae Variant Classification Sherloc (09022015). Collection method: clinical testing. Allele origin: germline.
Comment: This sequence change replaces aspartic acid, which is acidic and polar, with tyrosine, which is neutral and polar, at codon 70 of the SMAD6 protein (p.Asp70Tyr). This variant is not present in population databases (gnomAD no frequency). This variant has not been reported in the literature in individuals affected with SMAD6-related conditions. An algorithm developed to predict the effect of missense changes on protein structure and function (PolyPhen-2) suggests that this variant is likely to be tolerated. In summary, the available evidence is currently insufficient to determine the role of this variant in disease. Therefore, it has been classified as a Variant of Uncertain Significance.

NM_005585.5(SMAD6):c.208G>T (p.Asp70Tyr)

Gene: SMAD6 (SMAD family member 6; plus strand). Cytogenetic location: 15q22.31.
Variant type: single nucleotide variant.
Coding change: c.208G>T on transcript NM_005585.5 (MANE Select); coding-DNA position 208, G replaced by T.
Protein change: p.Asp70Tyr; replaces aspartic acid 70 with tyrosine.
Molecular consequence: missense variant. On other transcripts: non-coding transcript variant (1).
Genome position (GRCh38, 1-based): chr15:66,703,466, G>T. VCF-style: chr15-66703466-G-T. GRCh37 (hg19) VCF-style: chr15-66995804-G-T.
Other names: short protein forms D70Y.
Identifiers: ClinVar variation 3630726 (VCV003630726.2).
Genomic context (GRCh38, chr15:66,703,466, plus strand): 5'-AGAGAGGGCGGAGGCTGCGGCCGCTCCGAAGTCCGCCCGGTAGCCCCGCGGCGGCCCCGG[G>T]ACGCAGTGGGACAGCGAGGCGCCCAGGGCGCGGGGAGGCGCCGGCGCGCAGGGGGCCCCC-3'
Protein context (NP_005576.3, residues 60-80): VRPVAPRRPR[Asp70Tyr]AVGQRGAQGA